The following is an entry in ClinVar:

NM_000089.4(COL1A2):c.343G>A (p.Gly115Arg)

Gene: COL1A2 (collagen type I alpha 2 chain; plus strand). Cytogenetic location: 7q21.3.
Variant type: single nucleotide variant.
Coding change: c.343G>A on transcript NM_000089.4 (MANE Select); coding-DNA position 343, G replaced by A.
Protein change: p.Gly115Arg; replaces glycine 115 with arginine.
Molecular consequence: missense variant.
Genome position (GRCh38, 1-based): chr7:94,404,711, G>A. VCF-style: chr7-94404711-G-A. GRCh37 (hg19) VCF-style: chr7-94034023-G-A.
Other names: short protein forms G115R.
Identifiers: ClinVar variation 934132 (VCV000934132.11), dbSNP rs1791759301, ClinGen allele CA368219561.
Genomic context (GRCh38, chr7:94,404,711, plus strand): 5'-AGAAATAAAGGCTTGGAGTATGACATTCTTTTTTTCTTTTAGGGCCCTCAAGGTTTCCAA[G>A]GACCTGCTGGTGAGCCTGGTGAACCTGGTCAAACTGTGAGTACATTTTTCCACCTTTGTG-3'
Protein context (NP_000080.2, residues 105-125): AGAPGPQGFQ[Gly115Arg]PAGEPGEPGQ

ClinVar aggregate classification (germline): Pathogenic (1 of 4 stars; one submission).

Conditions:
Osteogenesis imperfecta type I (OI1). Also called: Lobstein's Disease; OI, TYPE I; OSTEOGENESIS IMPERFECTA TARDA; OSTEOGENESIS IMPERFECTA WITH BLUE SCLERAE; Osteogenesis imperfecta type 1; Lobstein disease. Identifiers: Orphanet 216796, Orphanet 666, MedGen C0023931, MONDO:0008146, OMIM 166200. Disease mechanism: loss of function.
Ehlers-Danlos syndrome, classic type, 1 (EDSCL1). Also called: Ehlers-Danlos syndrome, type 1; EHLERS-DANLOS SYNDROME, GRAVIS TYPE; EHLERS-DANLOS SYNDROME, SEVERE CLASSIC TYPE; EDS I; Ehlers-Danlos Syndrome, Classic Type, COL5A1-Related. Identifiers: MedGen C0268335, MONDO:0019567, OMIM 130000.

Submission:

Labcorp Genetics (formerly Invitae), Labcorp
Classification: Pathogenic for Osteogenesis imperfecta type I; Ehlers-Danlos syndrome, classic type, 1. Last evaluated: 2019-11-07. Review status: criteria provided, single submitter. Criteria: Invitae Variant Classification Sherloc (09022015). Collection method: clinical testing. Allele origin: germline.
Comment: For these reasons, this variant has been classified as Pathogenic. Glycine residues within the Gly-Xaa-Yaa repeats of the triple helix domain are required for the structure and stability of fibrillar collagens (PMID: 7695699, 8218237, 19344236). In COL1A2, variants affecting these glycine residues are significantly enriched in individuals with disease (PMID: 9016532, 17078022) compared to the general population (ExAC). This variant has been observed in individual(s) with clinical features of osteogenesis imperfecta type I (Invitae). It has also been observed to segregate with disease in related individuals. This sequence change replaces glycine with arginine at codon 115 of the COL1A2 protein (p.Gly115Arg). The glycine residue is highly conserved and there is a moderate physicochemical difference between glycine and arginine. This variant is not present in population databases (ExAC no frequency).

Literature cited by the submitters: PubMed 7695699; PubMed 8218237; PubMed 19344236; PubMed 9016532; PubMed 17078022.